The following is an entry in ClinVar:

ClinVar aggregate classification (germline): Uncertain significance (1 of 4 stars; one submission).

gnomAD v4.1: 13 of 1,614,110 alleles (0.00081%); highest among the groups gnomAD compares: African/African-American, 0.017%; no homozygotes.

Submission:

GeneDx
Classification: Uncertain significance. Last evaluated: 2025-06-19. Review status: criteria provided, single submitter. Criteria: GeneDx Variant Classification Process June 2021. Collection method: clinical testing. Allele origin: germline. Affected: yes.
Comment: In silico analysis supports that this missense variant has a deleterious effect on protein structure/function; Has not been previously published as pathogenic or benign to our knowledge

NM_018245.3(OGDHL):c.526C>G (p.Pro176Ala)

Gene: OGDHL (oxoglutarate dehydrogenase L; minus strand). Cytogenetic location: 10q11.23.
Variant type: single nucleotide variant.
Coding change: c.526C>G on transcript NM_018245.3 (MANE Select); coding-DNA position 526, C replaced by G.
Protein change: p.Pro176Ala; replaces proline 176 with alanine.
Molecular consequence: missense variant. On other transcripts: 5 prime UTR variant (5), non-coding transcript variant (5).
Genome position (GRCh38, 1-based): chr10:49,752,201, G>C on the plus strand (C>G on the coding strand, the complement: OGDHL is on the minus strand). VCF-style: chr10-49752201-G-C. GRCh37 (hg19) VCF-style: chr10-50960247-G-C.
Other names: c.355C>G, p.Pro119Ala (NM_001143996.2, NM_001347820.1); c.-102C>G (NM_001143997.2, NM_001347821.2, NM_001347822.1 and 1 more transcripts); c.526C>G, p.Pro176Ala (NM_001347819.1, NM_001347823.1, NM_001347824.2); c.-401C>G (NM_001347826.1); short protein forms P119A, P176A.
Identifiers: ClinVar variation 4538809 (VCV004538809.1).